The following is an entry in ClinVar:

NM_002661.5(PLCG2):c.2053A>G (p.Arg685Gly)

Gene: PLCG2 (phospholipase C gamma 2; plus strand). Cytogenetic location: 16q23.3.
Variant type: single nucleotide variant.
Coding change: c.2053A>G on transcript NM_002661.5 (MANE Select); coding-DNA position 2053, A replaced by G.
Protein change: p.Arg685Gly; replaces arginine 685 with glycine.
Molecular consequence: missense variant.
Genome position (GRCh38, 1-based): chr16:81,912,715, A>G. VCF-style: chr16-81912715-A-G. GRCh37 (hg19) VCF-style: chr16-81946320-A-G.
Other names: short protein forms R685G.
Identifiers: ClinVar variation 1715252 (VCV001715252.5), dbSNP rs1396672657, ClinGen allele CA396901573.
Genomic context (GRCh38, chr16:81,912,715, plus strand): 5'-CGGGACGGGGCCTTCCTGATCCGGAAGCGAGAGGGGAGCGACTCCTATGCCATCACCTTC[A>G]GGTGGGTGCGAGGGTGGGAGGCACATGCTCTACAGAGGGGCTTGGCAAGGACAGATGCGG-3'
Protein context (NP_002652.2, residues 675-695): EGSDSYAITF[Arg685Gly]ARGKVKHCRI

ClinVar aggregate classification (germline): Uncertain significance (1 of 4 stars; one submission).

Conditions:
Familial cold autoinflammatory syndrome 3 (FCAS3). Also called: FAMILIAL ATYPICAL COLD URTICARIA; ANTIBODY DEFICIENCY AND IMMUNE DYSREGULATION, PLCG2-ASSOCIATED. Identifiers: Orphanet 300359, MedGen C3280914, MONDO:0013766, OMIM 614468.

Submission:

Labcorp Genetics (formerly Invitae), Labcorp
Classification: Uncertain significance for Familial cold autoinflammatory syndrome 3. Last evaluated: 2022-08-05. Review status: criteria provided, single submitter. Criteria: Invitae Variant Classification Sherloc (09022015). Collection method: clinical testing. Allele origin: germline.
Comment: In summary, the available evidence is currently insufficient to determine the role of this variant in disease. Therefore, it has been classified as a Variant of Uncertain Significance. Algorithms developed to predict the effect of missense changes on protein structure and function are either unavailable or do not agree on the potential impact of this missense change (SIFT: "Deleterious"; PolyPhen-2: "Probably Damaging"; Align-GVGD: "Class C0"). This variant has not been reported in the literature in individuals affected with PLCG2-related conditions. This variant is not present in population databases (gnomAD no frequency). This sequence change replaces arginine, which is basic and polar, with glycine, which is neutral and non-polar, at codon 685 of the PLCG2 protein (p.Arg685Gly).